The following is an entry in ClinVar:

NM_001267550.2(TTN):c.99935G>A (p.Trp33312Ter)

Genes: TTN (titin; minus strand), TTN-AS1 (TTN antisense RNA 1; plus strand), LOC126806420 (BRD4-independent group 4 enhancer GRCh37_chr2:179401104-179402303; plus strand). Cytogenetic location: 2q31.2.
Variant type: single nucleotide variant.
Coding change: c.99935G>A on transcript NM_001267550.2 (MANE Select); coding-DNA position 99935, G replaced by A.
Protein change: p.Trp33312Ter; replaces tryptophan 33312 with a stop codon.
Molecular consequence: nonsense.
Genome position (GRCh38, 1-based): chr2:178,537,174, C>T on the plus strand (G>A on the coding strand, the complement: TTN is on the minus strand). VCF-style: chr2-178537174-C-T. GRCh37 (hg19) VCF-style: chr2-179401901-C-T.
Other names: c.95012G>A, p.Trp31671Ter (NM_001256850.1); c.72740G>A, p.Trp24247Ter (NM_003319.4); c.92231G>A, p.Trp30744Ter (NM_133378.4); c.73115G>A, p.Trp24372Ter (NM_133432.3); c.73316G>A, p.Trp24439Ter (NM_133437.4); short protein forms W24372*, W31671*, W24247*, W33312*, W24439*, W30744*.
Identifiers: ClinVar variation 1515541 (VCV001515541.8), dbSNP rs2154138051, ClinGen allele CA349427124.
Genomic context (GRCh38, chr2:178,537,174, plus strand): 5'-TCACATTTTTCCACCACATAGTTGGTGATCCAGGAGCCTCCGTCATCTGCGGGTGGTTTC[C>T]AGCTGATCACTGCGGAGTTCTTCAATAGAGCTTCGATCACAATTGGTCCTGTAGGTTTGT-3'

ClinVar aggregate classification (germline): Likely pathogenic (1 of 4 stars; one submission).

Conditions:
Dilated cardiomyopathy 1G (CMD1G). Identifiers: Orphanet 154, MedGen C1858763, MONDO:0011400, OMIM 604145.
Autosomal recessive limb-girdle muscular dystrophy type 2J (LGMDR10). Also called: Limb-girdle muscular dystrophy, type 2J; MUSCULAR DYSTROPHY, LIMB-GIRDLE, AUTOSOMAL RECESSIVE 10. Identifiers: Orphanet 140922, MedGen C1837342, MONDO:0012127, OMIM 608807.

Submission:

Labcorp Genetics (formerly Invitae), Labcorp
Classification: Likely pathogenic for Dilated cardiomyopathy 1G; Autosomal recessive limb-girdle muscular dystrophy type 2J. Last evaluated: 2021-01-18. Review status: criteria provided, single submitter. Criteria: Invitae Variant Classification Sherloc (09022015). Collection method: clinical testing. Allele origin: germline.
Comment: This sequence change creates a premature translational stop signal (p.Trp33312*) in the TTN gene. While this is not anticipated to result in nonsense mediated decay, it is expected to create a truncated TTN protein. This variant is not present in population databases (ExAC no frequency). This variant is located in the A band of TTN (PMID: 25589632). Truncating variants in this region are significantly overrepresented in patients affected with dilated cardiomyopathy (PMID: 25589632). Truncating variants in this region have also been reported in individuals affected with autosomal recessive centronuclear myopathy (PMID: 23975875). In summary, the currently available evidence indicates that the variant is pathogenic, but additional data are needed to prove that conclusively. Therefore, this variant has been classified as Likely Pathogenic. This nonsense change has been observed in individual(s) with early-onset atrial fibrillation or dilated cardiomyopathy (PMID: 30535219, Invitae).

Literature cited by the submitters: PubMed 25589632; PubMed 23975875; PubMed 30535219.